The following is an entry in ClinVar:

NM_032043.3(BRIP1):c.205+5G>A

Gene: BRIP1 (BRCA1 interacting DNA helicase 1; minus strand). Cytogenetic location: 17q23.2.
Variant type: single nucleotide variant.
Coding change: c.205+5G>A on transcript NM_032043.3 (MANE Select); 5 bases into the intron after coding-DNA position 205, G replaced by A.
Molecular consequence: intron variant.
Genome position (GRCh38, 1-based): chr17:61,859,791, C>T on the plus strand (G>A on the coding strand, the complement: BRIP1 is on the minus strand). VCF-style: chr17-61859791-C-T. GRCh37 (hg19) VCF-style: chr17-59937152-C-T.
Identifiers: ClinVar variation 1497141 (VCV001497141.10), dbSNP rs2078948368, ClinGen allele CA2573154343.

ClinVar aggregate classification (germline): Conflicting classifications of pathogenicity. Review status: criteria provided, conflicting classifications (1 of 4 stars). 2 submissions from 2 submitters: Likely pathogenic (1); Uncertain significance (1). Last evaluated 2024-03-19.

Conditions:
Fanconi anemia complementation group J. Also called: BRIP1-Related Fanconi Anemia. Identifiers: Orphanet 84, MedGen C1836860, MONDO:0012187, OMIM 609054.
Familial cancer of breast. Also called: hereditary breast carcinoma; Hereditary breast cancer; BREAST CANCER, FAMILIAL. Identifiers: Orphanet 227535, MedGen C0346153, MONDO:0016419, OMIM 114480. Disease mechanism: loss of function.
Hereditary cancer-predisposing syndrome. Also called: Tumor predisposition; Hereditary neoplastic syndrome; Neoplastic Syndromes, Hereditary; Hereditary Cancer Syndrome. Identifiers: Orphanet 140162, MedGen C0027672, MeSH D009386, MONDO:0015356.

Submissions (2):

Color Diagnostics, LLC DBA Color Health
Classification: Uncertain significance for Hereditary cancer-predisposing syndrome. Last evaluated: 2024-03-19. Review status: criteria provided, single submitter. Criteria: ACMG Guidelines, 2015. Collection method: clinical testing. Allele origin: germline.
Comment: This variant causes a G to A nucleotide substitution at the +5 position of intron 3/19 of the BRIP1 gene. Splice site prediction tools predict that this variant may have a significant impact on RNA splicing. This variant has been reported to impact RNA splicing by an external laboratory, however, detailed data are not available for review (ClinVar SCV002284113.3). This variant has been reported in an individual affected with breast cancer in the literature (PMID: 26976419). This variant has not been identified in the general population by the Genome Aggregation Database (gnomAD). A different variant with similar predicted splicing impact, c.205+5G>T, has been reported in three individuals affected with Fanconi anemia from two families (PMID: 16116423, 33224012), and it has been reported as likely disease-causing in ClinVar (variation ID: 929517). Although there is suspicion that this variant may be associated with disease, additional studies are necessary to determine the role of this variant in disease conclusively. Therefore, this variant is classified as a Variant of Uncertain Significance.

Labcorp Genetics (formerly Invitae), Labcorp
Classification: Likely pathogenic for Familial cancer of breast; Fanconi anemia complementation group J. Last evaluated: 2023-07-10. Review status: criteria provided, single submitter. Criteria: Invitae Variant Classification Sherloc (09022015). Collection method: clinical testing. Allele origin: germline.
Comment: In summary, the currently available evidence indicates that the variant is pathogenic, but additional data are needed to prove that conclusively. Therefore, this variant has been classified as Likely Pathogenic. Variants that disrupt the consensus splice site are a relatively common cause of aberrant splicing (PMID: 17576681, 9536098). Studies have shown that this variant results in skipping of exon 3 and introduces a premature termination codon (Invitae). The resulting mRNA is expected to undergo nonsense-mediated decay. ClinVar contains an entry for this variant (Variation ID: 1497141). This variant has been observed in individual(s) with breast cancer (PMID: 26976419). This variant is not present in population databases (gnomAD no frequency). This sequence change falls in intron 3 of the BRIP1 gene. It does not directly change the encoded amino acid sequence of the BRIP1 protein. RNA analysis indicates that this variant induces altered splicing and may result in an absent or disrupted protein product.

Literature cited by the submitters: PubMed 16116423 (cited by Color Diagnostics, LLC DBA Color Health); PubMed 26976419 (cited by Color Diagnostics, LLC DBA Color Health and Labcorp Genetics (formerly Invitae), Labcorp); PubMed 33224012 (cited by Color Diagnostics, LLC DBA Color Health); PubMed 17576681 (cited by Labcorp Genetics (formerly Invitae), Labcorp); PubMed 9536098 (cited by Labcorp Genetics (formerly Invitae), Labcorp).